The following is an entry in ClinVar:

ClinVar aggregate classification (germline): Likely benign (1 of 4 stars; one submission).

Allele frequency attached by ClinVar (database versions not stated): gnomAD exomes 0.00004; ESP Exome Variant Server 0.00008; ExAC 0.00011; 1000 Genomes Project 0.00020; gnomAD 0.00025; TOPMed 0.00028; 1000 Genomes Project 30x 0.00047.
gnomAD v4.1: 131 of 1,613,964 alleles (0.0081%); highest among the groups gnomAD compares: East Asian, 0.074%; 1 homozygote.

Submission:

CeGaT Center for Human Genetics Tuebingen
Classification: Likely benign. Last evaluated: 2023-02-01. Review status: criteria provided, single submitter. Criteria: CeGaT Center For Human Genetics Tuebingen Variant Classification Criteria Version 2. Collection method: clinical testing. Allele origin: germline. Affected: yes. Observed: 1 variant allele.
Comment: KDM3B: BP4, BS1

NM_016604.4(KDM3B):c.4893+4C>T

Gene: KDM3B (lysine demethylase 3B; plus strand). Cytogenetic location: 5q31.2.
Variant type: single nucleotide variant.
Coding change: c.4893+4C>T on transcript NM_016604.4 (MANE Select); 4 bases into the intron after coding-DNA position 4893, C replaced by T.
Molecular consequence: intron variant.
Genome position (GRCh38, 1-based): chr5:138,429,969, C>T. VCF-style: chr5-138429969-C-T. GRCh37 (hg19) VCF-style: chr5-137765658-C-T.
Identifiers: ClinVar variation 2655723 (VCV002655723.24), dbSNP rs181021740, ClinGen allele CA3429539.